The following is an entry in ClinVar:

ClinVar aggregate classification (germline): Uncertain significance (1 of 4 stars; one submission).

Allele frequency attached by ClinVar (database versions not stated): gnomAD exomes below 0.00001; TOPMed 0.00001; ESP Exome Variant Server 0.00008.
gnomAD v4.1: 2 of 1,614,206 alleles (0.00012%); highest among the groups gnomAD compares: Non-Finnish European, 0.000085%; no homozygotes.

Submission:

Labcorp Genetics (formerly Invitae), Labcorp
Classification: Uncertain significance. Last evaluated: 2022-11-12. Review status: criteria provided, single submitter. Criteria: Invitae Variant Classification Sherloc (09022015). Collection method: clinical testing. Allele origin: germline.
Comment: This sequence change replaces serine, which is neutral and polar, with arginine, which is basic and polar, at codon 1233 of the MYO5B protein (p.Ser1233Arg). This variant is not present in population databases (gnomAD no frequency). This variant has not been reported in the literature in individuals affected with MYO5B-related conditions. Advanced modeling of protein sequence and biophysical properties (such as structural, functional, and spatial information, amino acid conservation, physicochemical variation, residue mobility, and thermodynamic stability) performed at Invitae indicates that this missense variant is not expected to disrupt MYO5B protein function. In summary, the available evidence is currently insufficient to determine the role of this variant in disease. Therefore, it has been classified as a Variant of Uncertain Significance.

NM_001080467.3(MYO5B):c.3699C>G (p.Ser1233Arg)

Gene: MYO5B (myosin VB; minus strand). Cytogenetic location: 18q21.1.
Variant type: single nucleotide variant.
Coding change: c.3699C>G on transcript NM_001080467.3 (MANE Select); coding-DNA position 3699, C replaced by G.
Protein change: p.Ser1233Arg; replaces serine 1233 with arginine.
Molecular consequence: missense variant.
Genome position (GRCh38, 1-based): chr18:49,864,285, G>C on the plus strand (C>G on the coding strand, the complement: MYO5B is on the minus strand). VCF-style: chr18-49864285-G-C. GRCh37 (hg19) VCF-style: chr18-47390655-G-C.
Other names: short protein forms S1233R.
Identifiers: ClinVar variation 3022594 (VCV003022594.3), dbSNP rs370216981, ClinGen allele CA299966793.